The following is an entry in ClinVar:

NM_000433.4(NCF2):c.359C>T (p.Ala120Val)

Gene: NCF2 (neutrophil cytosolic factor 2; minus strand). Cytogenetic location: 1q25.3.
Variant type: single nucleotide variant.
Coding change: c.359C>T on transcript NM_000433.4 (MANE Select); coding-DNA position 359, C replaced by T.
Protein change: p.Ala120Val; replaces alanine 120 with valine.
Molecular consequence: missense variant.
Genome position (GRCh38, 1-based): chr1:183,577,606, G>A on the plus strand (C>T on the coding strand, the complement: NCF2 is on the minus strand). VCF-style: chr1-183577606-G-A. GRCh37 (hg19) VCF-style: chr1-183546741-G-A.
Other names: c.359C>T, p.Ala120Val (NM_001127651.3, NM_001190789.2, NM_001190794.2); short protein forms A120V.
Identifiers: ClinVar variation 466299 (VCV000466299.6), dbSNP rs1553258487, ClinGen allele CA343678763.

ClinVar aggregate classification (germline): Uncertain significance (1 of 4 stars; one submission).

Conditions:
Granulomatous disease, chronic, autosomal recessive, cytochrome b-positive, type 2. Also called: CGD, AUTOSOMAL RECESSIVE CYTOCHROME b-POSITIVE, TYPE II; GRANULOMATOUS DISEASE, CHRONIC, AUTOSOMAL RECESSIVE, 2; Chronic granulomatous disease due to deficiency of NCF-2; Chronic Granulomatous Disease, Autosomal Recessive, Cytochrome b-Positive, Type II; GRANULOMATOUS DISEASE, CHRONIC, DUE TO NCF2 DEFICIENCY. Identifiers: Orphanet 379, MedGen C1856245, MONDO:0009310, OMIM 233710.

Allele frequency attached by ClinVar (database versions not stated): gnomAD exomes below 0.00001.

Submission:

Labcorp Genetics (formerly Invitae), Labcorp
Classification: Uncertain significance for Granulomatous disease, chronic, autosomal recessive, cytochrome b-positive, type 2. Last evaluated: 2021-09-01. Review status: criteria provided, single submitter. Criteria: Invitae Variant Classification Sherloc (09022015). Collection method: clinical testing. Allele origin: germline.
Comment: This sequence change replaces alanine with valine at codon 120 of the NCF2 protein (p.Ala120Val). The alanine residue is moderately conserved and there is a small physicochemical difference between alanine and valine. This variant is not present in population databases (ExAC no frequency). This variant has not been reported in the literature in individuals affected with NCF2-related conditions. Algorithms developed to predict the effect of missense changes on protein structure and function are either unavailable or do not agree on the potential impact of this missense change (SIFT: "Tolerated"; PolyPhen-2: "Possibly Damaging"; Align-GVGD: "Class C0"). In summary, the available evidence is currently insufficient to determine the role of this variant in disease. Therefore, it has been classified as a Variant of Uncertain Significance.